The following is an entry in ClinVar:

NM_001144869.3(LIPT2):c.162G>A (p.Gly54=)

Genes: LIPT2 (lipoyl(octanoyl) transferase 2; minus strand), LIPT2-AS1 (LIPT2 antisense RNA 1; plus strand), LOC130006411 (ATAC-STARR-seq lymphoblastoid silent region 3753; plus strand). Cytogenetic location: 11q13.4.
Variant type: single nucleotide variant.
Coding change: c.162G>A on transcript NM_001144869.3 (MANE Select); coding-DNA position 162, G replaced by A.
Protein change: p.Gly54=; no amino-acid change (glycine 54 retained).
Molecular consequence: synonymous variant. On other transcripts: non-coding transcript variant (1).
Genome position (GRCh38, 1-based): chr11:74,493,542, C>T on the plus strand (G>A on the coding strand, the complement: LIPT2 is on the minus strand). VCF-style: chr11-74493542-C-T. GRCh37 (hg19) VCF-style: chr11-74204587-C-T.
Other names: c.162G>A, p.Gly54= (NM_001329941.2, NM_001329942.2).
Identifiers: ClinVar variation 1033330 (VCV001033330.1), dbSNP rs1448295532, ClinGen allele CA475888606.

ClinVar aggregate classification (germline): Uncertain significance (1 of 4 stars; one submission).

Conditions:
Encephalopathy, neonatal severe, with lactic acidosis and brain abnormalities (NELABA). Also called: LIPOYLTRANSFERASE 2 DEFICIENCY; Lipoyl transferase 2 deficiency. Identifiers: Orphanet 447795, MedGen C5681203, MONDO:0060562, OMIM 617668.

Allele frequency attached by ClinVar (database versions not stated): TOPMed 0.00002.
gnomAD v4.1: 34 of 1,423,316 alleles (0.0024%); highest among the groups gnomAD compares: South Asian, 0.017%; no homozygotes.

Submission:

Baylor Genetics
Classification: Uncertain significance for Encephalopathy, neonatal severe, with lactic acidosis and brain abnormalities. Last evaluated: 2018-01-22. Review status: criteria provided, single submitter. Criteria: ACMG Guidelines, 2015. Collection method: clinical testing. Allele origin: paternal. Affected: yes.
Comment: This variant was determined to be of uncertain significance according to ACMG Guidelines, 2015 [PMID:25741868].